The following is an entry in ClinVar:

NM_144973.4(DENND5B):c.237+5G>T

Gene: DENND5B (DENN domain containing 5B; minus strand). Cytogenetic location: 12p11.21.
Variant type: single nucleotide variant.
Coding change: c.237+5G>T on transcript NM_144973.4 (MANE Select); 5 bases into the intron after coding-DNA position 237, G replaced by T.
Molecular consequence: intron variant.
Genome position (GRCh38, 1-based): chr12:31,495,805, C>A on the plus strand (G>T on the coding strand, the complement: DENND5B is on the minus strand). VCF-style: chr12-31495805-C-A. GRCh37 (hg19) VCF-style: chr12-31648739-C-A.
Other names: c.342+5G>T (NM_001308339.2); c.303+5G>T (NM_001366890.1, NM_001366893.1); c.237+5G>T (NM_001366891.1, NM_001366892.1).
Identifiers: ClinVar variation 3603176 (VCV003603176.1).

ClinVar aggregate classification (germline): Uncertain significance (1 of 4 stars; one submission).

Submission:

GeneDx
Classification: Uncertain significance. Last evaluated: 2024-08-05. Review status: criteria provided, single submitter. Criteria: GeneDx Variant Classification Process June 2021. Collection method: clinical testing. Allele origin: germline. Affected: yes.
Comment: Not observed at significant frequency in large population cohorts (gnomAD); In silico analysis indicates that this variant does not alter splicing; Has not been previously published as pathogenic or benign to our knowledge